The following is an entry in ClinVar:

NM_005559.4(LAMA1):c.6563G>A (p.Arg2188His)

Gene: LAMA1 (laminin subunit alpha 1; minus strand). Cytogenetic location: 18p11.31.
Variant type: single nucleotide variant.
Coding change: c.6563G>A on transcript NM_005559.4 (MANE Select); coding-DNA position 6563, G replaced by A.
Protein change: p.Arg2188His; replaces arginine 2188 with histidine.
Molecular consequence: missense variant.
Genome position (GRCh38, 1-based): chr18:6,974,963, C>T on the plus strand (G>A on the coding strand, the complement: LAMA1 is on the minus strand). VCF-style: chr18-6974963-C-T. GRCh37 (hg19) VCF-style: chr18-6974962-C-T.
Other names: short protein forms R2188H.
Identifiers: ClinVar variation 1916414 (VCV001916414.4), dbSNP rs747707290, ClinGen allele CA8881184.
Genomic context (GRCh38, chr18:6,974,963, plus strand): 5'-CTGGCTACATGGATACTGTGCCATCTGTTGTCATCAATGGGAAAGTCTGGAAACTCCAAG[C>T]GTGTGGACCCGGAGCCCAGGTCCCACAGGAAGGCCACTCTCCCTCGCCGCATCTCCACTG-3'
Protein context (NP_005550.2, residues 2178-2198): FLWDLGSGST[Arg2188His]LEFPDFPIDD

ClinVar aggregate classification (germline): Uncertain significance. Review status: criteria provided, multiple submitters, no conflicts (2 of 4 stars). 2 submissions from 2 submitters: Uncertain significance (2). Last evaluated 2025-12-08.

Conditions:
Inborn genetic diseases. Identifiers: MedGen C0950123, MeSH D030342.

Allele frequency attached by ClinVar (database versions not stated): gnomAD exomes 0.00001; ExAC 0.00002.
gnomAD v4.1: 13 of 1,614,062 alleles (0.00081%); highest among the groups gnomAD compares: African/African-American, 0.004%; no homozygotes.

Submissions (2):

Labcorp Genetics (formerly Invitae), Labcorp
Classification: Uncertain significance. Last evaluated: 2025-12-08. Review status: criteria provided, single submitter. Criteria: Invitae Variant Classification Sherloc (09022015). Collection method: clinical testing. Allele origin: germline.
Comment: This sequence change replaces arginine, which is basic and polar, with histidine, which is basic and polar, at codon 2188 of the LAMA1 protein (p.Arg2188His). This variant is present in population databases (rs747707290, gnomAD 0.003%). This variant has not been reported in the literature in individuals affected with LAMA1-related conditions. ClinVar contains an entry for this variant (Variation ID: 1916414). Invitae Evidence Modeling of protein sequence and biophysical properties (such as structural, functional, and spatial information, amino acid conservation, physicochemical variation, residue mobility, and thermodynamic stability) indicates that this missense variant is expected to disrupt LAMA1 protein function with a positive predictive value of 80%. In summary, the available evidence is currently insufficient to determine the role of this variant in disease. Therefore, it has been classified as a Variant of Uncertain Significance.

Ambry Genetics
Classification: Uncertain significance for Inborn genetic diseases. Last evaluated: 2022-09-14. Review status: criteria provided, single submitter. Criteria: Ambry Variant Classification Scheme 2023. Collection method: clinical testing. Allele origin: germline.